The following is an entry in ClinVar:

ClinVar aggregate classification (germline): Uncertain significance (1 of 4 stars; one submission).

Submission:

Women's Health and Genetics/Laboratory Corporation of America, LabCorp
Classification: Uncertain significance. Last evaluated: 2026-04-22. Review status: criteria provided, single submitter. Criteria: LabCorp Variant Classification Summary - May 2015. Collection method: clinical testing. Allele origin: germline.
Comment: Variant summary: XPR1 c.1809-3A>T alters a conserved nucleotide located close to a canonical splice site and therefore could affect mRNA splicing, leading to a significantly altered protein sequence. Consensus agreement among computation tools predict no significant impact on normal splicing. However, these predictions have yet to be confirmed by functional studies. The variant was absent in 251242 control chromosomes. The available data on variant occurrences in the general population are insufficient to allow any conclusion about variant significance. To our knowledge, no occurrence of c.1809-3A>T in individuals affected with XPR1-related conditions and no experimental evidence demonstrating its impact on protein function have been reported. No submitters have cited clinical-significance assessments for this variant to ClinVar. Based on the evidence outlined above, the variant was classified as uncertain significance.

NM_004736.4(XPR1):c.1809-3A>T

Gene: XPR1 (xenotropic and polytropic retrovirus receptor 1; plus strand). Cytogenetic location: 1q25.3.
Variant type: single nucleotide variant.
Coding change: c.1809-3A>T on transcript NM_004736.4 (MANE Select); 3 bases into the intron before coding-DNA position 1809, A replaced by T.
Molecular consequence: intron variant.
Genome position (GRCh38, 1-based): chr1:180,880,073, A>T. VCF-style: chr1-180880073-A-T. GRCh37 (hg19) VCF-style: chr1-180849209-A-T.
Other names: c.1614-3A>T (NM_001135669.2).
Identifiers: ClinVar variation 4849169 (VCV004849169.1).